The following is an entry in ClinVar:

ClinVar aggregate classification (germline): Uncertain significance. Review status: criteria provided, multiple submitters, no conflicts (2 of 4 stars). 2 submissions from 2 submitters: Uncertain significance (2). Last evaluated 2025-10-14.

Allele frequency attached by ClinVar (database versions not stated): ESP Exome Variant Server 0.00008; gnomAD 0.00015; ExAC 0.00022; TOPMed 0.00023.

Submissions (2):

Labcorp Genetics (formerly Invitae), Labcorp
Classification: Uncertain significance. Last evaluated: 2025-10-14. Review status: criteria provided, single submitter. Criteria: Invitae Variant Classification Sherloc (09022015). Collection method: clinical testing. Allele origin: germline.
Comment: This sequence change replaces aspartic acid, which is acidic and polar, with asparagine, which is neutral and polar, at codon 241 of the MTMR14 protein (p.Asp241Asn). This variant is present in population databases (rs200924533, gnomAD 0.2%), and has an allele count higher than expected for a pathogenic variant. This variant has not been reported in the literature in individuals affected with MTMR14-related conditions. ClinVar contains an entry for this variant (Variation ID: 1915534). Invitae Evidence Modeling of protein sequence and biophysical properties (such as structural, functional, and spatial information, amino acid conservation, physicochemical variation, residue mobility, and thermodynamic stability) indicates that this missense variant is not expected to disrupt MTMR14 protein function with a negative predictive value of 80%. In summary, the available evidence is currently insufficient to determine the role of this variant in disease. Therefore, it has been classified as a Variant of Uncertain Significance.

Revvity Omics, Revvity
Classification: Uncertain significance. Last evaluated: 2020-03-16. Review status: criteria provided, single submitter. Criteria: ACMG Guidelines, 2015. Collection method: clinical testing. Allele origin: germline.

NM_001077525.3(MTMR14):c.721G>A (p.Asp241Asn)

Gene: MTMR14 (myotubularin related protein 14; plus strand). Cytogenetic location: 3p25.3.
Variant type: single nucleotide variant.
Coding change: c.721G>A on transcript NM_001077525.3 (MANE Select); coding-DNA position 721, G replaced by A.
Protein change: p.Asp241Asn; replaces aspartic acid 241 with asparagine.
Molecular consequence: missense variant. On other transcripts: synonymous variant (4), non-coding transcript variant (9).
Genome position (GRCh38, 1-based): chr3:9,672,728, G>A. VCF-style: chr3-9672728-G-A. GRCh37 (hg19) VCF-style: chr3-9714412-G-A.
Other names: c.721G>A, p.Asp241Asn (NM_001077526.3, NM_001400520.1, NM_001400523.1 and 2 more transcripts); c.790G>A, p.Asp264Asn (NM_001400518.1, NM_001400521.1, NM_001400526.1); c.718G>A, p.Asp240Asn (NM_001400519.1, NM_001400522.1); c.475G>A, p.Asp159Asn (NM_001400524.1, NM_001400527.1, NM_001400530.1 and 1 more transcripts); c.439G>A, p.Asp147Asn (NM_001400525.1, NM_001400529.1, NM_001400532.1 and 1 more transcripts); c.472G>A, p.Asp158Asn (NM_001400531.1); c.79G>A, p.Asp27Asn (NM_001400533.1, NM_001400534.1, NM_001400535.1 and 9 more transcripts); c.6G>A, p.Pro2= (NM_001400544.1, NM_001400547.1, NM_001400548.1 and 1 more transcripts); short protein forms D159N, D240N, D264N, D158N, D147N, D241N, D27N.
Identifiers: ClinVar variation 1915534 (VCV001915534.7), dbSNP rs200924533, ClinGen allele CA2240420.